The following is an entry in ClinVar:

NM_001077525.3(MTMR14):c.1879G>A (p.Gly627Ser)

Gene: MTMR14 (myotubularin related protein 14; plus strand). Cytogenetic location: 3p25.3.
Variant type: single nucleotide variant.
Coding change: c.1879G>A on transcript NM_001077525.3 (MANE Select); coding-DNA position 1879, G replaced by A.
Protein change: p.Gly627Ser; replaces glycine 627 with serine.
Molecular consequence: missense variant. On other transcripts: non-coding transcript variant (9).
Genome position (GRCh38, 1-based): chr3:9,701,899, G>A. VCF-style: chr3-9701899-G-A. GRCh37 (hg19) VCF-style: chr3-9743583-G-A.
Other names: c.1723G>A, p.Gly575Ser (NM_001077526.3); c.1948G>A, p.Gly650Ser (NM_001400518.1); c.1876G>A, p.Gly626Ser (NM_001400519.1); c.1804G>A, p.Gly602Ser (NM_001400520.1); c.1792G>A, p.Gly598Ser (NM_001400521.1); c.1720G>A, p.Gly574Ser (NM_001400522.1); c.1648G>A, p.Gly550Ser (NM_001400523.1); c.1633G>A, p.Gly545Ser (NM_001400524.1); and 19 more; short protein forms G288S, G361S, G421S, G432S, G481S, G490S, G598S, G627S.
Identifiers: ClinVar variation 2203610 (VCV002203610.6), dbSNP rs190345299, ClinGen allele CA2240906.
Genomic context (GRCh38, chr3:9,701,899, plus strand): 5'-GCCTTCTTGGCTGCGTACAGCAGCACAGTGGGGCTTCGGGCAGTAGCCCCCAGTCCTTCC[G>A]GTGCCATCGGGGGCCTGCTGGAGCAATTTGCCCGTGGTGTTGGACTCCGGAGCATCAGCA-3'
Protein context (NP_001070993.1, residues 617-637): GLRAVAPSPS[Gly627Ser]AIGGLLEQFA

ClinVar aggregate classification (germline): Uncertain significance. Review status: criteria provided, multiple submitters, no conflicts (2 of 4 stars). 2 submissions from 2 submitters: Uncertain significance (2). Last evaluated 2025-12-09.

Allele frequency attached by ClinVar (database versions not stated): TOPMed below 0.00001; 1000 Genomes Project 0.00020; 1000 Genomes Project 30x 0.00031.

Submissions (2):

Labcorp Genetics (formerly Invitae), Labcorp
Classification: Uncertain significance. Last evaluated: 2025-12-09. Review status: criteria provided, single submitter. Criteria: Invitae Variant Classification Sherloc (09022015). Collection method: clinical testing. Allele origin: germline.
Comment: This sequence change replaces glycine, which is neutral and non-polar, with serine, which is neutral and polar, at codon 515 of the MTMR14 protein (p.Gly515Ser). This variant is present in population databases (rs190345299, gnomAD 0.01%). This variant has not been reported in the literature in individuals affected with MTMR14-related conditions. ClinVar contains an entry for this variant (Variation ID: 2203610). An algorithm developed to predict the effect of missense changes on protein structure and function (PolyPhen-2) suggests that this variant is likely to be disruptive. In summary, the available evidence is currently insufficient to determine the role of this variant in disease. Therefore, it has been classified as a Variant of Uncertain Significance.

Revvity Omics, Revvity
Classification: Uncertain significance. Last evaluated: 2019-10-30. Review status: criteria provided, single submitter. Criteria: ACMG Guidelines, 2015. Collection method: clinical testing. Allele origin: germline.